The following is an entry in ClinVar:

ClinVar aggregate classification (germline): Uncertain significance (1 of 4 stars; one submission).

Allele frequency attached by ClinVar (database versions not stated): TOPMed 0.00001.
gnomAD v4.1: 7 of 1,613,758 alleles (0.00043%); highest among the groups gnomAD compares: East Asian, 0.0022%; no homozygotes.

Submission:

Labcorp Genetics (formerly Invitae), Labcorp
Classification: Uncertain significance. Last evaluated: 2023-12-05. Review status: criteria provided, single submitter. Criteria: Invitae Variant Classification Sherloc (09022015). Collection method: clinical testing. Allele origin: germline.
Comment: This sequence change affects codon 1240 of the NYNRIN mRNA. It is a 'silent' change, meaning that it does not change the encoded amino acid sequence of the NYNRIN protein. This variant is not present in population databases (gnomAD no frequency). This variant has not been reported in the literature in individuals affected with NYNRIN-related conditions. Experimental studies and prediction algorithms are not available or were not evaluated, and the effect of this variant on mRNA splicing is currently unknown. In summary, the available evidence is currently insufficient to determine the role of this variant in disease. Therefore, it has been classified as a Variant of Uncertain Significance.

NM_025081.3(NYNRIN):c.3720G>A (p.Ala1240=)

Gene: NYNRIN (NYN domain and retroviral integrase containing; plus strand). Cytogenetic location: 14q12.
Variant type: single nucleotide variant.
Coding change: c.3720G>A on transcript NM_025081.3 (MANE Select); coding-DNA position 3720, G replaced by A.
Protein change: p.Ala1240=; no amino-acid change (alanine 1240 retained).
Molecular consequence: synonymous variant.
Genome position (GRCh38, 1-based): chr14:24,415,469, G>A. VCF-style: chr14-24415469-G-A. GRCh37 (hg19) VCF-style: chr14-24884675-G-A.
Identifiers: ClinVar variation 2732337 (VCV002732337.3), dbSNP rs1483742621, ClinGen allele CA485790823.